The following is an entry in ClinVar:

NM_001457.4(FLNB):c.4625T>C (p.Ile1542Thr)

Gene: FLNB (filamin B; plus strand). Cytogenetic location: 3p14.3.
Variant type: single nucleotide variant.
Coding change: c.4625T>C on transcript NM_001457.4 (MANE Select); coding-DNA position 4625, T replaced by C.
Protein change: p.Ile1542Thr; replaces isoleucine 1542 with threonine.
Molecular consequence: missense variant.
Genome position (GRCh38, 1-based): chr3:58,134,726, T>C. VCF-style: chr3-58134726-T-C. GRCh37 (hg19) VCF-style: chr3-58120453-T-C.
Other names: c.4718T>C, p.Ile1573Thr (NM_001164317.2); c.4625T>C, p.Ile1542Thr (NM_001164318.2, NM_001164319.2); short protein forms I1542T, I1573T.
Identifiers: ClinVar variation 801980 (VCV000801980.9), dbSNP rs1356745912, ClinGen allele CA353351802.
Genomic context (GRCh38, chr3:58,134,726, plus strand): 5'-CCAGTGGCCCCGGCCTTAGTTCCTATGGTGTGCCTGCCAGTCTACCTGTGGACTTTGCAA[T>C]TGATGCCCGAGATGCCGGGGAAGGCCTGCTTGCTGTTCAAATAACGGTAACTTGGAGTTA-3'
Protein context (NP_001448.2, residues 1532-1552): VPASLPVDFA[Ile1542Thr]DARDAGEGLL

ClinVar aggregate classification (germline): Conflicting classifications of pathogenicity. Review status: criteria provided, conflicting classifications (1 of 4 stars). 4 submissions from 4 submitters: Pathogenic (1); Likely pathogenic (1); Uncertain significance (2). Last evaluated 2025-12-17.

Conditions:
Larsen syndrome (LRS). Also called: Bilateral dislocation of the knees, pes cavus, cylindrically shaped fingers and characteristic facies; Larsen syndrome (FLNB-LS). Identifiers: Orphanet 503, MedGen C0175778, MONDO:0007875, OMIM 150250. Disease mechanism: loss of function.

Allele frequency attached by ClinVar (database versions not stated): TOPMed 0.00001.

Submissions (4):

Labcorp Genetics (formerly Invitae), Labcorp
Classification: Uncertain significance. Last evaluated: 2025-12-17. Review status: criteria provided, single submitter. Criteria: Invitae Variant Classification Sherloc (09022015). Collection method: clinical testing. Allele origin: germline.
Comment: This sequence change replaces isoleucine, which is neutral and non-polar, with threonine, which is neutral and polar, at codon 1542 of the FLNB protein (p.Ile1542Thr). This variant is not present in population databases (gnomAD no frequency). This missense change has been observed in individual(s) with Larsen syndrome (PMID: 22190451). ClinVar contains an entry for this variant (Variation ID: 801980). Invitae Evidence Modeling of protein sequence and biophysical properties (such as structural, functional, and spatial information, amino acid conservation, physicochemical variation, residue mobility, and thermodynamic stability) indicates that this missense variant is not expected to disrupt FLNB protein function with a negative predictive value of 80%. In summary, the available evidence is currently insufficient to determine the role of this variant in disease. Therefore, it has been classified as a Variant of Uncertain Significance.

GeneDx
Classification: Pathogenic. Last evaluated: 2024-11-02. Review status: criteria provided, single submitter. Criteria: GeneDx Variant Classification Process June 2021. Collection method: clinical testing. Allele origin: germline. Affected: yes.
Comment: Reported in two patients with a clinical diagnosis of Larsen syndrome in the published literature; parents were not tested and further specific details regarding the patients were not specified in this report (PMID: 22190451); Not observed at significant frequency in large population cohorts (gnomAD); In silico analysis supports that this missense variant has a deleterious effect on protein structure/function; This variant is associated with the following publications: (PMID: 28145583, 22190451)

Women's Health and Genetics/Laboratory Corporation of America, LabCorp
Classification: Uncertain significance. Last evaluated: 2022-11-21. Review status: criteria provided, single submitter. Criteria: LabCorp Variant Classification Summary - May 2015. Collection method: clinical testing. Allele origin: germline.
Comment: Variant summary: FLNB c.4625T>C (p.Ile1542Thr) results in a non-conservative amino acid change located in the Filamin/ABP280 repeat (IPR001298) of the encoded protein sequence. Four of five in-silico tools predict a damaging effect of the variant on protein function. The variant was absent in 251434 control chromosomes (gnomAD). The available data on variant occurrences in the general population are insufficient to allow any conclusion about variant significance. c.4625T>C has been reported in the literature in at least two individuals affected with Larsen Syndrome; the parents of these two patients were not tested and it is unknown if the variant arose de novo or were inherited from a mosaic parent (Daniels_2012). This report does not provide unequivocal conclusions about association of the variant with Larsen Syndrome. To our knowledge, no experimental evidence demonstrating an impact on protein function has been reported. Two ClinVar submitters have assessed the variant since 2014: one classified the variant as likely pathogenic and one as uncertain significance. Based on the evidence outlined above, the variant was classified as uncertain significance.

Mendelics
Classification: Likely pathogenic for Larsen syndrome. Last evaluated: 2019-05-28. Review status: criteria provided, single submitter. Criteria: Mendelics Assertion Criteria 2017. Collection method: clinical testing. Allele origin: unknown.

Literature cited by the submitters: PubMed 22190451 (cited by Labcorp Genetics (formerly Invitae), Labcorp and Women's Health and Genetics/Laboratory Corporation of America, LabCorp).